The following is an entry in ClinVar:

ClinVar aggregate classification (germline): Uncertain significance (1 of 4 stars; one submission).

Conditions:
Neonatal encephalomyopathy-cardiomyopathy-respiratory distress syndrome. Also called: Coenzyme Q10 deficiency, primary, 7. Identifiers: Orphanet 457185, MedGen C5568562, MONDO:0014562, OMIM 616276.

Submission:

Labcorp Genetics (formerly Invitae), Labcorp
Classification: Uncertain significance for Neonatal encephalomyopathy-cardiomyopathy-respiratory distress syndrome. Last evaluated: 2022-06-22. Review status: criteria provided, single submitter. Criteria: Invitae Variant Classification Sherloc (09022015). Collection method: clinical testing. Allele origin: germline.
Comment: In summary, the available evidence is currently insufficient to determine the role of this variant in disease. Therefore, it has been classified as a Variant of Uncertain Significance. Experimental studies and prediction algorithms are not available or were not evaluated, and the functional significance of this variant is currently unknown. This variant has not been reported in the literature in individuals affected with COQ4-related conditions. This variant results in a copy number gain of the genomic region encompassing exon(s) 3-7 of the COQ4 gene. This region includes the termination codon of the gene. This copy number gain extends beyond the assayed region for this gene and therefore may encompass additional genes. As the precise location of this event is unknown, it may be in tandem or it may be located elsewhere in the genome.

NC_000009.11:g.(?_131087402)_(141016451_?)dup

Genes: ABCA2 (ATP binding cassette subfamily A member 2; minus strand), ABL1 (ABL proto-oncogene 1, non-receptor tyrosine kinase; plus strand), ABO (ABO, alpha 1-3-N-acetylgalactosaminyltransferase and alpha 1-3-galactosyltransferase; minus strand), ADAMTS13 (ADAM metallopeptidase with thrombospondin type 1 motif 13; plus strand), ADAMTSL2 (ADAMTS like 2; plus strand) and 184 more. Cytogenetic location: 9q34.11-34.3.
Variant type: Duplication.
Identifiers: ClinVar variation 2426262 (VCV002426262.5).